The following is an entry in ClinVar:

NM_001346754.2(PIGW):c.307T>C (p.Cys103Arg)

Genes: MYO19 (myosin XIX; minus strand), PIGW (phosphatidylinositol glycan anchor biosynthesis class W; plus strand). Cytogenetic location: 17q12.
Variant type: single nucleotide variant.
Coding change: c.307T>C on transcript NM_001346754.2 (MANE Select); coding-DNA position 307, T replaced by C.
Protein change: p.Cys103Arg; replaces cysteine 103 with arginine.
Molecular consequence: missense variant.
Genome position (GRCh38, 1-based): chr17:36,537,408, T>C. VCF-style: chr17-36537408-T-C. GRCh37 (hg19) VCF-style: chr17-34893257-T-C.
Other names: c.307T>C (NM_178517.4); c.307T>C, p.Cys103Arg (NM_001346755.2, NM_178517.5); short protein forms C103R.
Identifiers: ClinVar variation 1403516 (VCV001403516.5), dbSNP rs762575873, ClinGen allele CA290115849.

ClinVar aggregate classification (germline): Uncertain significance. Review status: criteria provided, multiple submitters, no conflicts (2 of 4 stars). 2 submissions from 2 submitters: Uncertain significance (2). Last evaluated 2025-09-11.

Conditions:
PIGW-related disorder. Also called: PIGW-related condition.
Hyperphosphatasia with intellectual disability syndrome 5 (GPIBD11). Also called: GLYCOSYLPHOSPHATIDYLINOSITOL BIOSYNTHESIS DEFECT 11. Identifiers: Orphanet 247262, MedGen C4014958, MONDO:0014457, OMIM 616025.

Allele frequency attached by ClinVar (database versions not stated): gnomAD exomes below 0.00001 and 0.00001; ExAC 0.00001; gnomAD 0.00001.
gnomAD v4.1: 4 of 1,614,020 alleles (0.00025%); highest among the groups gnomAD compares: Admixed American, 0.0067%; no homozygotes.

Submissions (2):

PreventionGenetics, part of Exact Sciences
Classification: Uncertain significance for PIGW-related condition. Last evaluated: 2025-09-11. Review status: criteria provided, single submitter. Criteria: ACMG Guidelines, 2015. Collection method: clinical testing. Allele origin: germline.
Comment: The PIGW c.307T>C variant is predicted to result in the amino acid substitution p.Cys103Arg. To our knowledge, this variant has not been reported in the literature. This variant is reported in 0.0085% of alleles in individuals of Latino descent in gnomAD. At this time, the clinical significance of this variant is uncertain due to the absence of conclusive functional and genetic evidence.

Labcorp Genetics (formerly Invitae), Labcorp
Classification: Uncertain significance for Hyperphosphatasia with intellectual disability syndrome 5. Last evaluated: 2024-10-23. Review status: criteria provided, single submitter. Criteria: Invitae Variant Classification Sherloc (09022015). Collection method: clinical testing. Allele origin: germline.
Comment: This sequence change replaces cysteine, which is neutral and slightly polar, with arginine, which is basic and polar, at codon 103 of the PIGW protein (p.Cys103Arg). This variant is present in population databases (rs762575873, gnomAD 0.009%). This variant has not been reported in the literature in individuals affected with PIGW-related conditions. ClinVar contains an entry for this variant (Variation ID: 1403516). Invitae Evidence Modeling of protein sequence and biophysical properties (such as structural, functional, and spatial information, amino acid conservation, physicochemical variation, residue mobility, and thermodynamic stability) indicates that this missense variant is not expected to disrupt PIGW protein function with a negative predictive value of 80%. In summary, the available evidence is currently insufficient to determine the role of this variant in disease. Therefore, it has been classified as a Variant of Uncertain Significance.